The following is an entry in ClinVar:

ClinVar aggregate classification (germline): Pathogenic/Likely pathogenic. Review status: criteria provided, multiple submitters, no conflicts (2 of 4 stars). 2 submissions from 2 submitters: Pathogenic (1); Likely pathogenic (1). Last evaluated 2023-10-19.

Conditions:
Spastic paraplegia. Identifiers: MedGen C0037772, HP:0001258.
SACS-related disorder. Also called: SACS-related condition.

Submissions (2):

Blueprint Genetics
Classification: Likely pathogenic for SACS-related disorders. Last evaluated: 2023-10-19. Review status: criteria provided, single submitter. Criteria: ACMG Guidelines, 2015. Collection method: clinical testing. Allele origin: germline. Affected: yes. Observed: 1 variant allele.

Labcorp Genetics (formerly Invitae), Labcorp
Classification: Pathogenic for Spastic paraplegia. Last evaluated: 2021-12-25. Review status: criteria provided, single submitter. Criteria: Invitae Variant Classification Sherloc (09022015). Collection method: clinical testing. Allele origin: germline.
Comment: For these reasons, this variant has been classified as Pathogenic. This sequence change creates a premature translational stop signal (p.Leu3650*) in the SACS gene. While this is not anticipated to result in nonsense mediated decay, it is expected to disrupt the last 930 amino acid(s) of the SACS protein. This variant is not present in population databases (gnomAD no frequency). This variant has not been reported in the literature in individuals affected with SACS-related conditions. This variant disrupts a region of the SACS protein in which other variant(s) (p.Asn4549Asp) have been determined to be pathogenic (PMID: 15156359, 21507954). This suggests that this is a clinically significant region of the protein, and that variants that disrupt it are likely to be disease-causing.

Literature cited by the submitters: PubMed 15156359 (cited by Labcorp Genetics (formerly Invitae), Labcorp); PubMed 21507954 (cited by Labcorp Genetics (formerly Invitae), Labcorp).

NM_014363.6(SACS):c.10949del (p.Ser3649_Leu3650insTer)

Gene: SACS (sacsin molecular chaperone; minus strand). Cytogenetic location: 13q12.12.
Variant type: Deletion.
Coding change: c.10949del on transcript NM_014363.6 (MANE Select); coding-DNA position 10949, one base deleted (T; older notation c.10949delT).
Protein change: p.Ser3649_Leu3650insTer.
Molecular consequence: nonsense.
Genome position (GRCh38, 1-based): chr13:23,332,927, A deleted on the plus strand (T on the coding strand, the reverse complement: SACS is on the minus strand); the first of 3 consecutive A bases (chr13:23,332,927-23,332,929); deleting any one gives the same sequence. VCF-style (leftmost placement, unchanged base first): chr13-23332926-TA-T. GRCh37 (hg19) VCF-style: chr13-23907065-TA-T.
Other names: c.10508del, p.Ser3502_Leu3503insTer (NM_001278055.2).
Identifiers: ClinVar variation 2045949 (VCV002045949.5), dbSNP rs2542177515, ClinGen allele CA2580086831.